The following is an entry in ClinVar:

NM_000834.5(GRIN2B):c.2826G>A (p.Thr942=)

Gene: GRIN2B (glutamate ionotropic receptor NMDA type subunit 2B; minus strand). Cytogenetic location: 12p13.1.
Variant type: single nucleotide variant.
Coding change: c.2826G>A on transcript NM_000834.5 (MANE Select); coding-DNA position 2826, G replaced by A.
Protein change: p.Thr942=; no amino-acid change (threonine 942 retained).
Molecular consequence: synonymous variant.
Genome position (GRCh38, 1-based): chr12:13,564,412, C>T on the plus strand (G>A on the coding strand, the complement: GRIN2B is on the minus strand). VCF-style: chr12-13564412-C-T. GRCh37 (hg19) VCF-style: chr12-13717346-C-T.
Identifiers: ClinVar variation 307744 (VCV000307744.21), dbSNP rs140573925, ClinGen allele CA6460976.

ClinVar aggregate classification (germline): Likely benign. Review status: criteria provided, multiple submitters, no conflicts (2 of 4 stars). 3 submissions from 3 submitters: Likely benign (3). Last evaluated 2025-08-01.

Conditions:
Intellectual developmental disorder, autosomal dominant 6, with or without seizures. Also called: GRIN2B-related developmental delay, intellectual disability and autism spectrum disorder; Intellectual disability, autosomal dominant 6. Identifiers: Orphanet 589547, MedGen C3151411, MONDO:0013509, OMIM 613970.
Developmental and epileptic encephalopathy, 27 (DEE27). Also called: GRIN2B-Related Neurodevelopmental Disorder; Epileptic encephalopathy, early infantile, 27. Identifiers: Orphanet 3451, MedGen C4015316, MONDO:0014505, OMIM 616139.

Allele frequency attached by ClinVar (database versions not stated): ExAC 0.00002; gnomAD 0.00004; gnomAD exomes 0.00004; 1000 Genomes Project 0.00020; 1000 Genomes Project 30x 0.00031; TOPMed 0.00005.
gnomAD v4.1: 129 of 1,614,222 alleles (0.008%); highest among the groups gnomAD compares: Non-Finnish European, 0.01%; no homozygotes.

Submissions (3):

CeGaT Center for Human Genetics Tuebingen
Classification: Likely benign. Last evaluated: 2025-08-01. Review status: criteria provided, single submitter. Criteria: CeGaT Center For Human Genetics Tuebingen Variant Classification Criteria Version 2. Collection method: clinical testing. Allele origin: germline. Affected: yes. Observed: 2 variant alleles.
Comment: GRIN2B: BP4, BP7

Labcorp Genetics (formerly Invitae), Labcorp
Classification: Likely benign for Developmental and epileptic encephalopathy, 27; Intellectual developmental disorder, autosomal dominant 6, with or without seizures. Last evaluated: 2025-01-28. Review status: criteria provided, single submitter. Criteria: Invitae Variant Classification Sherloc (09022015). Collection method: clinical testing. Allele origin: germline.

GeneDx
Classification: Likely benign. Last evaluated: 2020-03-27. Review status: criteria provided, single submitter. Criteria: GeneDx Variant Classification Process June 2021. Collection method: clinical testing. Allele origin: germline. Affected: yes.